The following is an entry in ClinVar:

ClinVar aggregate classification (germline): Uncertain significance. Review status: criteria provided, multiple submitters, no conflicts (2 of 4 stars). 2 submissions from 2 submitters: Uncertain significance (2). Last evaluated 2025-12-17.

Conditions:
Inborn genetic diseases. Identifiers: MedGen C0950123, MeSH D030342.
RYR1-related disorder. Also called: RYR1-related condition; RYR1-related disorders. Identifiers: MedGen CN239331.

gnomAD v4.1: 8 of 1,613,686 alleles (0.0005%); highest among the groups gnomAD compares: Non-Finnish European, 0.00068%; no homozygotes.

Submissions (2):

Labcorp Genetics (formerly Invitae), Labcorp
Classification: Uncertain significance for RYR1-related disorder. Last evaluated: 2025-12-17. Review status: criteria provided, single submitter. Criteria: Invitae Variant Classification Sherloc (09022015). Collection method: clinical testing. Allele origin: germline.
Comment: This sequence change replaces serine, which is neutral and polar, with proline, which is neutral and non-polar, at codon 4088 of the RYR1 protein (p.Ser4088Pro). This variant is present in population databases (rs754538541, gnomAD 0.0009%). This variant has not been reported in the literature in individuals affected with RYR1-related conditions. ClinVar contains an entry for this variant (Variation ID: 3436540). Invitae Evidence Modeling of protein sequence and biophysical properties (such as structural, functional, and spatial information, amino acid conservation, physicochemical variation, residue mobility, and thermodynamic stability) indicates that this missense variant is expected to disrupt RYR1 protein function with a positive predictive value of 80%. In summary, the available evidence is currently insufficient to determine the role of this variant in disease. Therefore, it has been classified as a Variant of Uncertain Significance.

Ambry Genetics
Classification: Uncertain significance for Inborn genetic diseases. Last evaluated: 2024-07-06. Review status: criteria provided, single submitter. Criteria: Ambry Variant Classification Scheme 2023. Collection method: clinical testing. Allele origin: germline.

NM_000540.3(RYR1):c.12262T>C (p.Ser4088Pro)

Gene: RYR1 (ryanodine receptor 1; plus strand). Cytogenetic location: 19q13.2.
Variant type: single nucleotide variant.
Coding change: c.12262T>C on transcript NM_000540.3 (MANE Select); coding-DNA position 12262, T replaced by C.
Protein change: p.Ser4088Pro; replaces serine 4088 with proline.
Molecular consequence: missense variant.
Genome position (GRCh38, 1-based): chr19:38,548,400, T>C. VCF-style: chr19-38548400-T-C. GRCh37 (hg19) VCF-style: chr19-39039040-T-C.
Other names: c.12247T>C, p.Ser4083Pro (NM_001042723.2); short protein forms S4088P, S4083P.
Identifiers: ClinVar variation 3436540 (VCV003436540.2).